The following is an entry in ClinVar:

ClinVar aggregate classification (germline): Uncertain significance (1 of 4 stars; one submission).

Conditions:
Inborn genetic diseases. Identifiers: MedGen C0950123, MeSH D030342.

gnomAD v4.1: 3 of 1,614,016 alleles (0.00019%); highest among the groups gnomAD compares: African/African-American, 0.0013%; no homozygotes.

Submission:

Ambry Genetics
Classification: Uncertain significance for Inborn genetic diseases. Last evaluated: 2025-07-17. Review status: criteria provided, single submitter. Criteria: Ambry Variant Classification Scheme 2023. Collection method: clinical testing. Allele origin: germline.
Comment: The p.I72T variant (also known as c.215T>C), located in coding exon 2 of the SBDS gene, results from a T to C substitution at nucleotide position 215. The isoleucine at codon 72 is replaced by threonine, an amino acid with similar properties. This amino acid position is conserved. In addition, this alteration is predicted to be tolerated by in silico analysis. Based on the available evidence, the clinical significance of this variant remains unclear.

NM_016038.4(SBDS):c.215T>C (p.Ile72Thr)

Gene: SBDS (SBDS ribosome maturation factor; minus strand). Cytogenetic location: 7q11.21.
Variant type: single nucleotide variant.
Coding change: c.215T>C on transcript NM_016038.4 (MANE Select); coding-DNA position 215, T replaced by C.
Protein change: p.Ile72Thr; replaces isoleucine 72 with threonine.
Molecular consequence: missense variant.
Genome position (GRCh38, 1-based): chr7:66,994,255, A>G on the plus strand (T>C on the coding strand, the complement: SBDS is on the minus strand). VCF-style: chr7-66994255-A-G. GRCh37 (hg19) VCF-style: chr7-66459242-A-G.
Other names: short protein forms I72T.
Identifiers: ClinVar variation 4159809 (VCV004159809.1).